The following is an entry in ClinVar:

ClinVar aggregate classification (germline): Likely pathogenic (1 of 4 stars; one submission).

Conditions:
Retinitis pigmentosa 25 (RP25). Identifiers: Orphanet 791, MedGen C1864446, MONDO:0011272, OMIM 602772.

Submission:

Natera, Inc.
Classification: Likely pathogenic for Retinitis pigmentosa type 25. Last evaluated: 2025-05-15. Review status: criteria provided, single submitter. Criteria: Natera Variant Classification Schema (03/2026). Collection method: clinical testing. Allele origin: germline.
Comment: The c.8861T>C variant in EYS is a missense variant predicted to cause substitution of phenylalanine to serine at amino acid 2954. This variant is rare in the general population with a frequency below the threshold expected for the associated phenotype(s). This variant has been observed in one or more individuals affected with the associated recessive disease, as either homozygous or compound heterozygous with a second variant (PMID: 25753737). Additionally, this variant has been observed to segregate in affected family members (PMID: 25753737). A different variant at the same position has been determined to be Pathogenic or Likely Pathogenic. Computational prediction algorithms indicate this variant is likely to affect gene or protein function. Given the available evidence, this variant is classified as Likely Pathogenic.

Literature cited by the submitters: PubMed 25753737.

NM_001142800.2(EYS):c.8861T>C (p.Phe2954Ser)

Genes: EYS (EGF-like photoreceptor maintenance factor; minus strand), PHF3 (PHD finger protein 3; plus strand). Cytogenetic location: 6q12.
Variant type: single nucleotide variant.
Coding change: c.8861T>C on transcript NM_001142800.2 (MANE Select); coding-DNA position 8861, T replaced by C.
Protein change: p.Phe2954Ser; replaces phenylalanine 2954 with serine.
Molecular consequence: missense variant. On other transcripts: 3 prime UTR variant (5).
Genome position (GRCh38, 1-based): chr6:63,721,170, A>G on the plus strand (T>C on the coding strand, the complement: EYS is on the minus strand). VCF-style: chr6-63721170-A-G. GRCh37 (hg19) VCF-style: chr6-64431066-A-G.
Other names: c.*7462A>G (NM_001290259.2, NM_001370348.2, NM_001370349.2 and 2 more transcripts); c.8924T>C, p.Phe2975Ser (NM_001292009.2); short protein forms F2954S, F2975S.
Identifiers: ClinVar variation 4067591 (VCV004067591.2).